The following is an entry in ClinVar:

ClinVar aggregate classification (germline): Uncertain significance (1 of 4 stars; one submission).

Conditions:
Hereditary cancer-predisposing syndrome. Also called: Neoplastic Syndromes, Hereditary; Tumor predisposition; Hereditary Cancer Syndrome; Hereditary neoplastic syndrome. Identifiers: Orphanet 140162, MedGen C0027672, MeSH D009386, MONDO:0015356.

Submission:

Ambry Genetics
Classification: Uncertain significance for Hereditary cancer-predisposing syndrome. Last evaluated: 2025-08-07. Review status: criteria provided, single submitter. Criteria: Ambry Variant Classification Scheme 2023. Collection method: clinical testing. Allele origin: germline.
Comment: The p.E582D variant (also known as c.1746A>T), located in coding exon 14 of the APC gene, results from an A to T substitution at nucleotide position 1746. The glutamic acid at codon 582 is replaced by aspartic acid, an amino acid with highly similar properties. This amino acid position is highly conserved in available vertebrate species. In addition, in silico predictors for this gene do not accurately predict pathogenicity. Missense alterations in APC are not a common cause of disease (Spier I et al. Genet Med. 2024 Feb;26(2):100992). Based on the available evidence, the clinical significance of this variant remains unclear.

NM_000038.6(APC):c.1746A>T (p.Glu582Asp)

Gene: APC (APC regulator of Wnt signaling pathway; plus strand). Cytogenetic location: 5q22.2.
Variant type: single nucleotide variant.
Coding change: c.1746A>T on transcript NM_000038.6 (MANE Select); coding-DNA position 1746, A replaced by T.
Protein change: p.Glu582Asp; replaces glutamic acid 582 with aspartic acid.
Molecular consequence: missense variant.
Genome position (GRCh38, 1-based): chr5:112,834,953, A>T. VCF-style: chr5-112834953-A-T. GRCh37 (hg19) VCF-style: chr5-112170650-A-T.
Other names: c.1746A>T, p.Glu582Asp (NM_001127510.3, NM_001354895.2); c.1692A>T, p.Glu564Asp (NM_001127511.3); c.1800A>T, p.Glu600Asp (NM_001354896.2); c.1776A>T, p.Glu592Asp (NM_001354897.2); c.1671A>T, p.Glu557Asp (NM_001354898.2); c.1662A>T, p.Glu554Asp (NM_001354899.2); c.1623A>T, p.Glu541Asp (NM_001354900.2); c.1569A>T, p.Glu523Asp (NM_001354901.2); and 5 more; short protein forms E557D, E481D, E541D, E592D, E600D, E299D, E422D, E491D.
Identifiers: ClinVar variation 819994 (VCV000819994.5), dbSNP rs876658969, ClinGen allele CA16025133.
Genomic context (GRCh38, chr5:112,834,953, plus strand): 5'-GTTAATGAGAGACAAATTCCAACTCTAATTAGATGACCCATATTCTGTTTCTTACTAGGA[A>T]TCAACCCTCAAAAGCGTATTGAGTGCCTTATGGAATTTGTCAGCACATTGCACTGAGAAT-3'
Protein context (NP_000029.2, residues 572-592): LMECALEVKK[Glu582Asp]STLKSVLSAL